The following is an entry in ClinVar:

ClinVar aggregate classification (germline): Likely pathogenic. Review status: criteria provided, multiple submitters, no conflicts (2 of 4 stars). 2 submissions from 2 submitters: Likely pathogenic (2). Last evaluated 2018-10-31.

Conditions:
Lymphangiomyomatosis (LAM). Also called: Lymphangioleiomyomatosis, somatic; Lymphangioleiomyomatosis. Identifiers: Orphanet 538, MedGen C0751674, MONDO:0011705, OMIM 606690.
Isolated focal cortical dysplasia type II (FCORD2). Also called: CORTICAL DYSPLASIA OF TAYLOR; Focal cortical dysplasia type II. Identifiers: Orphanet 268994, MedGen C1846385, MONDO:0011818, OMIM 607341, HP:0032051.
Tuberous sclerosis 2 (TSC2). Identifiers: Orphanet 805, MedGen C1860707, MONDO:0013199, OMIM 613254.

Submissions (2):

Fulgent Genetics
Classification: Likely pathogenic for Lymphangiomyomatosis; Isolated focal cortical dysplasia type II; Tuberous sclerosis 2. Last evaluated: 2018-10-31. Review status: criteria provided, single submitter. Criteria: ACMG Guidelines, 2015. Collection method: clinical testing. Allele origin: unknown.

GeneDx
Classification: Likely pathogenic. Last evaluated: 2016-09-15. Review status: criteria provided, single submitter. Criteria: GeneDx Variant Classification (06012015). Collection method: clinical testing. Allele origin: germline. Affected: yes.
Comment: The c.2545+5 G>C variant has not been published as a pathogenic variant, nor has it been reported as a benign variant to our knowledge. The c.2545+5 G>C variant was not observed in approximately 6500 individuals of European and African American ancestry in the NHLBI Exome Sequencing Project, indicating it is not a common benign variant in these populations. This substitution occurs at a position that is conserved across species. Several in-silico splice prediction models predict that c.2545+5 G>C destroys the natural splice donor site in intron 22. It is predicted to cause abnormal gene splicing, either leading to an abnormal message that is subject to nonsense-mediated mRNA decay, or to an abnormal protein product if the message is used for protein translation. However, in the absence of RNA/functional studies, the actual effect of this sequence change in this fetus is unknown. Although this variant has not been previously reported to our knowledge, another splice site variant at the same position has been reported in association with tuberous sclerosis (TSC2 LOVD). Therefore, this variant is likely pathogenic; however, the possibility that it is benign cannot be excluded.

NM_000548.5(TSC2):c.2545+5G>C

Gene: TSC2 (TSC complex subunit 2; plus strand). Cytogenetic location: 16p13.3.
Variant type: single nucleotide variant.
Coding change: c.2545+5G>C on transcript NM_000548.5 (MANE Select); 5 bases into the intron after coding-DNA position 2545, G replaced by C.
Molecular consequence: intron variant.
Genome position (GRCh38, 1-based): chr16:2,074,394, G>C. VCF-style: chr16-2074394-G-C. GRCh37 (hg19) VCF-style: chr16-2124395-G-C.
Other names: c.2545+5G>C (NM_001114382.3, NM_021055.3, NM_001370405.1 and 3 more transcripts); c.2434+5G>C (NM_001318827.2); c.1945+5G>C (NM_001318831.2); c.2398+5G>C (NM_001318829.2); c.2578+5G>C (NM_001318832.2).
Identifiers: ClinVar variation 430442 (VCV000430442.3), dbSNP rs1131691965, ClinGen allele CA645369636.